The following is an entry in ClinVar:

ClinVar aggregate classification (germline): Uncertain significance (1 of 4 stars; one submission).

Submission:

GeneDx
Classification: Uncertain significance. Last evaluated: 2019-12-05. Review status: criteria provided, single submitter. Criteria: GeneDx Variant Classification Process June 2021. Collection method: clinical testing. Allele origin: germline. Affected: yes.
Comment: Not observed in large population cohorts (Lek et al., 2016); In silico analysis, which includes protein predictors and evolutionary conservation, supports a deleterious effect; Has not been previously published as pathogenic or benign to our knowledge

NM_001292063.2(OTOG):c.3361G>A (p.Glu1121Lys)

Gene: OTOG (otogelin; plus strand). Cytogenetic location: 11p15.1.
Variant type: single nucleotide variant.
Coding change: c.3361G>A on transcript NM_001292063.2 (MANE Select); coding-DNA position 3361, G replaced by A.
Protein change: p.Glu1121Lys; replaces glutamic acid 1121 with lysine.
Molecular consequence: missense variant.
Genome position (GRCh38, 1-based): chr11:17,594,119, G>A. VCF-style: chr11-17594119-G-A. GRCh37 (hg19) VCF-style: chr11-17615666-G-A.
Other names: c.3397G>A, p.Glu1133Lys (NM_001277269.2); short protein forms E1121K, E1133K.
Identifiers: ClinVar variation 1310885 (VCV001310885.2), dbSNP rs1275721235, ClinGen allele CA379783970.